The following is an entry in ClinVar:

ClinVar aggregate classification (germline): Benign/Likely benign. Review status: criteria provided, multiple submitters, no conflicts (2 of 4 stars). 2 submissions from 2 submitters: Benign (1); Likely benign (1). Last evaluated 2025-02-06.

Conditions:
Hereditary cancer-predisposing syndrome. Also called: Neoplastic Syndromes, Hereditary; Tumor predisposition; Hereditary Cancer Syndrome; Hereditary neoplastic syndrome. Identifiers: Orphanet 140162, MedGen C0027672, MeSH D009386, MONDO:0015356.
POLD1-related polyposis and colorectal cancer syndrome (CRCS10). Also called: Colorectal cancer 10; COLORECTAL CANCER, SUSCEPTIBILITY TO, ON CHROMOSOME 19q; Colorectal cancer, susceptibility to, 10. Identifiers: Orphanet 220460, MedGen C2675481, MONDO:0012953, OMIM 612591.

Submissions (2):

Myriad Genetics, Inc.
Classification: Benign for POLD1-related polyposis and colorectal cancer syndrome. Last evaluated: 2025-02-06. Review status: criteria provided, single submitter. Criteria: Myriad Autosomal Dominant, Autosomal Recessive and X-Linked Classification Criteria (2023). Collection method: clinical testing. Allele origin: unknown.
Comment: This variant is considered benign. This variant is a silent/synonymous amino acid change and it is not expected to impact splicing.

Ambry Genetics
Classification: Likely benign for Hereditary cancer-predisposing syndrome. Last evaluated: 2024-10-17. Review status: criteria provided, single submitter. Criteria: Ambry Variant Classification Scheme 2023. Collection method: clinical testing. Allele origin: germline.

NM_002691.4(POLD1):c.1392G>A (p.Leu464=)

Gene: POLD1 (DNA polymerase delta 1, catalytic subunit; plus strand). Cytogenetic location: 19q13.33.
Variant type: single nucleotide variant.
Coding change: c.1392G>A on transcript NM_002691.4 (MANE Select); coding-DNA position 1392, G replaced by A.
Protein change: p.Leu464=; no amino-acid change (leucine 464 retained).
Molecular consequence: synonymous variant. On other transcripts: non-coding transcript variant (1).
Genome position (GRCh38, 1-based): chr19:50,406,415, G>A. VCF-style: chr19-50406415-G-A. GRCh37 (hg19) VCF-style: chr19-50909672-G-A.
Other names: c.1392G>A, p.Leu464= (NM_001256849.1, NM_001308632.1).
Identifiers: ClinVar variation 3421931 (VCV003421931.2).